The following is an entry in ClinVar:

ClinVar aggregate classification (germline): Uncertain significance (1 of 4 stars; one submission).

Allele frequency attached by ClinVar (database versions not stated): TOPMed below 0.00001; gnomAD 0.00001.

Submission:

Labcorp Genetics (formerly Invitae), Labcorp
Classification: Uncertain significance. Last evaluated: 2022-04-18. Review status: criteria provided, single submitter. Criteria: Invitae Variant Classification Sherloc (09022015). Collection method: clinical testing. Allele origin: germline.
Comment: This variant has not been reported in the literature in individuals affected with OSTM1-related conditions. In summary, the available evidence is currently insufficient to determine the role of this variant in disease. Therefore, it has been classified as a Variant of Uncertain Significance. Algorithms developed to predict the effect of missense changes on protein structure and function (SIFT, PolyPhen-2, Align-GVGD) all suggest that this variant is likely to be tolerated. This variant is not present in population databases (gnomAD no frequency). This sequence change replaces valine, which is neutral and non-polar, with leucine, which is neutral and non-polar, at codon 55 of the OSTM1 protein (p.Val55Leu).

NM_014028.4(OSTM1):c.163G>T (p.Val55Leu)

Gene: OSTM1 (osteoclastogenesis associated transmembrane protein 1; minus strand). Cytogenetic location: 6q21.
Variant type: single nucleotide variant.
Coding change: c.163G>T on transcript NM_014028.4 (MANE Select); coding-DNA position 163, G replaced by T.
Protein change: p.Val55Leu; replaces valine 55 with leucine.
Molecular consequence: missense variant.
Genome position (GRCh38, 1-based): chr6:108,074,489, C>A on the plus strand (G>T on the coding strand, the complement: OSTM1 is on the minus strand). VCF-style: chr6-108074489-C-A. GRCh37 (hg19) VCF-style: chr6-108395693-C-A.
Other names: short protein forms V55L.
Identifiers: ClinVar variation 2127620 (VCV002127620.4), dbSNP rs1389499042, ClinGen allele CA365331152.
Genomic context (GRCh38, chr6:108,074,489, plus strand): 5'-GGGGCAGCGACAGAGGCCCCAGCCCTCCACCCTGCAGGAGGGACAGGGACAAGTCCTCCA[C>A]CTCCAGCAACTGCTGCTCCGACAGGAGGTCGTGGAAGACCCTGTGCGGACTGCTGCCGAA-3'
Protein context (NP_054747.2, residues 45-65): DLLSEQQLLE[Val55Leu]EDLSLSLLQG